The following is an entry in ClinVar:

NM_003072.5(SMARCA4):c.636G>C (p.Gly212=)

Gene: SMARCA4 (SWI/SNF related BAF chromatin remodeling complex subunit ATPase 4; plus strand). Cytogenetic location: 19p13.2.
Variant type: single nucleotide variant.
Coding change: c.636G>C on transcript NM_003072.5 (MANE Select); coding-DNA position 636, G replaced by C.
Protein change: p.Gly212=; no amino-acid change (glycine 212 retained).
Molecular consequence: synonymous variant. On other transcripts: non-coding transcript variant (1).
Genome position (GRCh38, 1-based): chr19:10,986,469, G>C. VCF-style: chr19-10986469-G-C. GRCh37 (hg19) VCF-style: chr19-11097145-G-C.
Other names: c.636G>C, p.Gly212= (NM_001128844.3, NM_001128845.2, NM_001128846.2 and 6 more transcripts).
Identifiers: ClinVar variation 1753111 (VCV001753111.4), dbSNP rs1449214728, ClinGen allele CA505744034.

ClinVar aggregate classification (germline): Benign/Likely benign. Review status: criteria provided, multiple submitters, no conflicts (2 of 4 stars). 3 submissions from 3 submitters: Benign (1); Likely benign (2). Last evaluated 2026-07-09.

Conditions:
Rhabdoid tumor predisposition syndrome 2 (RTPS2). Identifiers: Orphanet 231108, Orphanet 69077, MedGen C2750074, MONDO:0013224, OMIM 613325.
Hereditary cancer-predisposing syndrome. Also called: Hereditary neoplastic syndrome; Neoplastic Syndromes, Hereditary; Tumor predisposition; Hereditary Cancer Syndrome. Identifiers: Orphanet 140162, MedGen C0027672, MeSH D009386, MONDO:0015356.

Allele frequency attached by ClinVar (database versions not stated): TOPMed below 0.00001.

Submissions (3):

Myriad Genetics, Inc.
Classification: Benign for Rhabdoid tumor predisposition syndrome 2. Last evaluated: 2026-07-09. Review status: criteria provided, single submitter. Criteria: Myriad Autosomal Dominant, Autosomal Recessive and X-Linked Classification Criteria (2023). Collection method: clinical testing. Allele origin: unknown.
Comment: This variant is considered benign. This variant is a silent/synonymous amino acid change and it is not expected to impact splicing.

Labcorp Genetics (formerly Invitae), Labcorp
Classification: Likely benign for Rhabdoid tumor predisposition syndrome 2. Last evaluated: 2025-11-13. Review status: criteria provided, single submitter. Criteria: Invitae Variant Classification Sherloc (09022015). Collection method: clinical testing. Allele origin: germline.

Ambry Genetics
Classification: Likely benign for Hereditary cancer-predisposing syndrome. Last evaluated: 2019-06-24. Review status: criteria provided, single submitter. Criteria: Ambry Variant Classification Scheme 2023. Collection method: clinical testing. Allele origin: germline.